The following is an entry in ClinVar:

ClinVar aggregate classification (germline): Uncertain significance. Review status: criteria provided, multiple submitters, no conflicts (2 of 4 stars). 2 submissions from 2 submitters: Uncertain significance (2). Last evaluated 2025-12-02.

Conditions:
Hereditary cancer-predisposing syndrome. Also called: Tumor predisposition; Hereditary Cancer Syndrome; Neoplastic Syndromes, Hereditary; Hereditary neoplastic syndrome. Identifiers: Orphanet 140162, MedGen C0027672, MeSH D009386, MONDO:0015356.

gnomAD v4.1: 1 of 1,582,162 alleles (0.000063%); no homozygotes.

Submissions (2):

Labcorp Genetics (formerly Invitae), Labcorp
Classification: Uncertain significance. Last evaluated: 2025-12-02. Review status: criteria provided, single submitter. Criteria: Invitae Variant Classification Sherloc (09022015). Collection method: clinical testing. Allele origin: germline.
Comment: This sequence change replaces alanine, which is neutral and non-polar, with threonine, which is neutral and polar, at codon 44 of the NTHL1 protein (p.Ala44Thr). This variant is not present in population databases (gnomAD no frequency). This variant has not been reported in the literature in individuals affected with NTHL1-related conditions. ClinVar contains an entry for this variant (Variation ID: 2733509). An algorithm developed to predict the effect of missense changes on protein structure and function (PolyPhen-2) suggests that this variant is likely to be tolerated. In summary, the available evidence is currently insufficient to determine the role of this variant in disease. Therefore, it has been classified as a Variant of Uncertain Significance.

Ambry Genetics
Classification: Uncertain significance for Hereditary cancer-predisposing syndrome. Last evaluated: 2025-11-19. Review status: criteria provided, single submitter. Criteria: Ambry Variant Classification Scheme 2023. Collection method: clinical testing. Allele origin: germline.
Comment: The p.A44T variant (also known as c.130G>A), located in coding exon 1 of the NTHL1 gene, results from a G to A substitution at nucleotide position 130. The alanine at codon 44 is replaced by threonine, an amino acid with similar properties. This amino acid position is conserved. In addition, this alteration is predicted to be tolerated by in silico analysis. Based on the available evidence, the clinical significance of this variant remains unclear.

NM_002528.7(NTHL1):c.106G>A (p.Ala36Thr)

Gene: NTHL1 (nth like DNA glycosylase 1; minus strand). Cytogenetic location: 16p13.3.
Variant type: single nucleotide variant.
Coding change: c.106G>A on transcript NM_002528.7 (MANE Select); coding-DNA position 106, G replaced by A.
Protein change: p.Ala36Thr; replaces alanine 36 with threonine.
Molecular consequence: missense variant. On other transcripts: 5 prime UTR variant (1).
Genome position (GRCh38, 1-based): chr16:2,047,718, C>T on the plus strand (G>A on the coding strand, the complement: NTHL1 is on the minus strand). VCF-style: chr16-2047718-C-T. GRCh37 (hg19) VCF-style: chr16-2097719-C-T.
Other names: c.130G>A (NM_002528.5); c.106G>A, p.Ala36Thr (NM_001318193.2); c.-73G>A (NM_001318194.2); short protein forms A36T.
Identifiers: ClinVar variation 2733509 (VCV002733509.4), dbSNP rs2150957402, ClinGen allele CA394298255.